The following continues an entry in ClinVar:

NM_002485.5(NBN):c.2140C>T (p.Arg714Ter)

Gene: NBN. ClinVar aggregate classification (germline): Pathogenic/Likely pathogenic. Pathogenic (11); Likely pathogenic (4).

Submissions 10 to 18 of 18:

Ambry Genetics
Classification: Pathogenic for Hereditary cancer-predisposing syndrome. Last evaluated: 2022-05-06. Review status: criteria provided, single submitter. Criteria: Ambry Variant Classification Scheme 2023. Collection method: clinical testing. Allele origin: germline.
Comment: The p.R714* pathogenic mutation (also known as c.2140C>T), located in coding exon 14 of the NBN gene, results from a C to T substitution at nucleotide position 2140. This changes the amino acid from an arginine to a stop codon within coding exon 14. This alteration was identified in 1/10030 consecutive patients referred for evaluation by an NGS hereditary cancer panel (Susswein LR et al. Genet. Med. 2016 Aug;18:823-32). It has also been reported in 1/120 Chinese patients with breast cancer and was observed in a study of 1010 unrelated Indian patients with breast and/or ovarian cancer (Singh J et al. Breast Cancer Res Treat, 2018 Jul;170:189-196; Jian W et al. Hered Cancer Clin Pract. 2017 Oct;15:19). In addition to the clinical data presented in the literature, this alteration is expected to result in loss of function by premature protein truncation or nonsense-mediated mRNA decay. As such, this alteration is interpreted as a disease-causing mutation.

Sema4
Classification: Pathogenic for Hereditary cancer-predisposing syndrome. Last evaluated: 2022-03-12. Review status: criteria provided, single submitter. Criteria: Sema4 Curation Guidelines. Collection method: curation. Allele origin: germline.
Comment: The NBN c.2140C>T (p.R714X) variant has been reported in heterozygosity in individuals with breast cancer (PMID: 29093764, 29470806, 33471991). This nonsense variant creates a premature stop codon at residue 714 of the NBN protein. Loss of function variants in NBN are known to be pathogenic (PMID: 9590180, 16415040). This variant was observed in 5/113584 chromosomes in the Non-Finnish European population according to the Genome Aggregation Database (PMID: 32461654). The variant has been reported in ClinVar (Variation ID: 182737). Based on the current evidence available, this variant is interpreted as pathogenic.

Genome-Nilou Lab
Classification: Pathogenic for Microcephaly, normal intelligence and immunodeficiency. Last evaluated: 2021-11-07. Review status: criteria provided, single submitter. Criteria: ACMG Guidelines, 2015. Collection method: clinical testing. Allele origin: germline. Affected: no.

Fulgent Genetics
Classification: Pathogenic for Microcephaly, normal intelligence and immunodeficiency; Aplastic anemia; Acute lymphoid leukemia. Last evaluated: 2021-08-19. Review status: criteria provided, single submitter. Criteria: ACMG Guidelines, 2015. Collection method: clinical testing. Allele origin: unknown.

GeneKor MSA
Classification: Pathogenic for Hereditary cancer-predisposing syndrome. Last evaluated: 2020-01-01. Review status: criteria provided, single submitter. Criteria: ACMG Guidelines, 2015. Collection method: clinical testing. Allele origin: germline. Affected: yes.
Comment: This is a nonsense variant, leading to the appearance of a stop codon at the position 714 of the NBN protein. It is expected to result in an absent or disrupted protein product. Truncating variants in NBN gene are known to be pathogenic. This particular variant has been as been described in the literature breast cancer patients (PMID: 29093764). The mutation database ClinVar contains several entries for this variant (Variation ID: 182737).

Women's Health and Genetics/Laboratory Corporation of America, LabCorp
Classification: Likely pathogenic for Microcephaly, normal intelligence and immunodeficiency. Last evaluated: 2018-02-09. Review status: criteria provided, single submitter. Criteria: LabCorp Variant Classification Summary - May 2015. Collection method: clinical testing. Allele origin: germline.
Comment: Variant summary: NBN c.2140C>T (p.Arg714X) results in a premature termination codon, predicted to cause a truncation of the encoded protein or absence of the protein due to nonsense mediated decay, which are commonly known mechanisms for disease. The variant allele was found at a frequency of 2.4e-05 in 246018 control chromosomes in gnomAD. This frequency is not higher than expected for a pathogenic variant in NBN causing Nijmegen Breakage Syndrome (2.4e-05 vs 2.50E-03), allowing no conclusion about variant significance. The c.2140C>T variant has been reported in the literature in individuals affected with cancer (Susswein_2015, Jian_2017). These data indicate that the variant may be associated with disease. To our knowledge, no experimental evidence demonstrating an impact on protein function has been reported. Four clinical diagnostic laboratories have submitted clinical-significance assessments for this variant to ClinVar after 2014 without evidence for independent evaluation. All laboratories classified the variant as pathogenic/likely pathogenic. Based on the evidence outlined above, the variant was classified as likely pathogenic.

Counsyl
Classification: Likely pathogenic for Microcephaly, normal intelligence and immunodeficiency. Last evaluated: 2017-12-28. Review status: no assertion criteria provided. Collection method: clinical testing. Allele origin: unknown. Not counted in ClinVar's aggregate classification.

Clinical Genetics DNA and cytogenetics Diagnostics Lab, Erasmus MC, Erasmus Medical Center
Classification: Pathogenic. Review status: no assertion criteria provided. Collection method: clinical testing. Allele origin: germline. Affected: yes. Study: VKGL Data-share Consensus. Not counted in ClinVar's aggregate classification.

Genome Diagnostics Laboratory, Amsterdam University Medical Center
Classification: Likely pathogenic. Review status: no assertion criteria provided. Collection method: clinical testing. Allele origin: germline. Affected: yes. Study: VKGL Data-share Consensus. Not counted in ClinVar's aggregate classification.

Literature cited by the submitters: PubMed 9590180 (cited by Labcorp Genetics (formerly Invitae), Labcorp and Sema4); PubMed 16415040 (cited by Labcorp Genetics (formerly Invitae), Labcorp and Sema4); PubMed 29470806 (cited by 3 submitters); PubMed 26681312 (cited by Ambry Genetics and Women's Health and Genetics/Laboratory Corporation of America, LabCorp); PubMed 29093764 (cited by 3 submitters); PubMed 33471991 (cited by Sema4).